The following is an entry in ClinVar:

NM_003002.4(SDHD):c.53-3C>G

Gene: SDHD (succinate dehydrogenase complex subunit D; plus strand). Cytogenetic location: 11q23.1.
Variant type: single nucleotide variant.
Coding change: c.53-3C>G on transcript NM_003002.4 (MANE Select); 3 bases into the intron before coding-DNA position 53, C replaced by G.
Molecular consequence: intron variant.
Genome position (GRCh38, 1-based): chr11:112,087,854, C>G. VCF-style: chr11-112087854-C-G. GRCh37 (hg19) VCF-style: chr11-111958578-C-G.
Other names: c.53-3C>G (NM_001276506.2, NM_001276503.2); c.52+895C>G (NM_001276504.2).
Identifiers: ClinVar variation 4548446 (VCV004548446.1).

ClinVar aggregate classification (germline): Pathogenic (1 of 4 stars; one submission).

Conditions:
Hereditary cancer-predisposing syndrome. Also called: Tumor predisposition; Hereditary Cancer Syndrome; Hereditary neoplastic syndrome; Neoplastic Syndromes, Hereditary. Identifiers: Orphanet 140162, MedGen C0027672, MeSH D009386, MONDO:0015356.

Submission:

Ambry Genetics
Classification: Pathogenic for Hereditary cancer-predisposing syndrome. Last evaluated: 2025-12-02. Review status: criteria provided, single submitter. Criteria: Ambry Variant Classification Scheme 2023. Collection method: clinical testing. Allele origin: germline.
Comment: The c.53-3C>G intronic pathogenic mutation results from a C to G substitution 3 nucleotides upstream from coding exon 2 in the SDHD gene. This variant was reported in individual(s) with features consistent with SDHD-related hereditary pheochromocytoma-paraganglioma (Ambry internal data). Other variant(s) impacting the same acceptor site (c.53-7_53-3delTCCTC) have been shown to have a similar impact on splicing in individual(s) with features consistent with hereditary pheochromocytoma-paraganglioma (Ambry internal data). This nucleotide position is well conserved in available vertebrate species. In silico splice site analysis predicts that this alteration will weaken the native splice acceptor site. RNA studies have demonstrated that this alteration results in abnormal splicing in the set of samples tested (Ambry internal data). This variant is considered to be rare based on population cohorts in the Genome Aggregation Database (gnomAD). Based on the supporting evidence, this variant is interpreted as a disease-causing mutation.